The following is an entry in ClinVar:

Conditions:
Breast-ovarian cancer, familial, susceptibility to, 1 (BROVCA1). Also called: BRCA1 Hereditary Breast and Ovarian Cancer; OVARIAN CANCER, SUSCEPTIBILITY TO. Identifiers: Orphanet 145, MedGen C2676676, MONDO:0011450, OMIM 604370. Disease mechanism: loss of function.

Submission:

Brotman Baty Institute, University of Washington
No classification provided (evidence only). Condition: Breast-ovarian cancer, familial 1. Review status: no classification provided. Collection method: in vitro. Allele origin: not applicable. Functional consequence: functionally_normal.
ClinVar note: "not provided" was previously submitted as the classification for the variant. However, the classification appeared to be based only on an observation of functional data so it was converted to no classification on 2025-07-30.

NM_007294.4(BRCA1):c.5208C>T (p.Val1736=)

Gene: BRCA1 (BRCA1 DNA repair associated; minus strand). Cytogenetic location: 17q21.31.
Variant type: single nucleotide variant.
Coding change: c.5208C>T on transcript NM_007294.4 (MANE Select); coding-DNA position 5208, C replaced by T.
Protein change: p.Val1736=; no amino-acid change (valine 1736 retained).
Molecular consequence: synonymous variant.
Genome position (GRCh38, 1-based): chr17:43,057,121, G>A on the plus strand (C>T on the coding strand, the complement: BRCA1 is on the minus strand). VCF-style: chr17-43057121-G-A. GRCh37 (hg19) VCF-style: chr17-41209138-G-A.
Other names: c.4995C>T, p.Val1665= (NM_001407571.1, NM_001407894.1, NM_001407895.1 and 12 more transcripts); c.5274C>T, p.Val1758= (NM_001407581.1, NM_001407582.1); c.5271C>T, p.Val1757= (NM_001407583.1, NM_001407585.1, NM_001407587.1 and 1 more transcripts); c.5268C>T, p.Val1756= (NM_001407590.1, NM_001407591.1); c.5208C>T, p.Val1736= (NM_001407593.1, NM_001407594.1, NM_001407596.1 and 7 more transcripts); c.5205C>T, p.Val1735= (NM_001407610.1, NM_001407611.1, NM_001407612.1 and 17 more transcripts); c.5202C>T, p.Val1734= (NM_001407627.1, NM_001407628.1, NM_001407629.1 and 14 more transcripts); c.5199C>T, p.Val1733= (NM_001407644.1, NM_001407645.1); and 72 more.
Identifiers: ClinVar variation 867847 (VCV000867847.3), dbSNP rs2051525820, ClinGen allele CA500144845.
Genomic context (GRCh38, chr17:43,057,121, plus strand): 5'-CTGGGATTCTCTTGCTCGCTTTGGACCTTGGTGGTTTCTTCCATTGACCACATCTCCTCT[G>A]ACTTCAAAATCATGCTGAAAGAAACCAAACACAACCCATCAGGATAAGAGAAAGAGAAGC-3'
Protein context (NP_009225.1, residues 1726-1746): RKMLNEHDFE[Val1736=]RGDVVNGRNH